The following is an entry in ClinVar:

ClinVar aggregate classification (germline): Pathogenic/Likely pathogenic. Review status: criteria provided, multiple submitters, no conflicts (2 of 4 stars). 3 submissions from 3 submitters: Pathogenic (2); Likely pathogenic (1). Last evaluated 2022-03-29.

Conditions:
Inborn genetic diseases. Identifiers: MedGen C0950123, MeSH D030342.
Early-infantile DEE. Also called: Ohtahara syndrome; Early infantile epileptic encephalopathy; Early infantile epileptic encephalopathy with suppression bursts. Identifiers: Orphanet 1934, MedGen C0393706, MONDO:0800491.

Submissions (3):

Labcorp Genetics (formerly Invitae), Labcorp
Classification: Pathogenic for Early-infantile DEE. Last evaluated: 2022-03-29. Review status: criteria provided, single submitter. Criteria: Invitae Variant Classification Sherloc (09022015). Collection method: clinical testing. Allele origin: germline.
Comment: For these reasons, this variant has been classified as Pathogenic. Algorithms developed to predict the effect of sequence changes on RNA splicing suggest that this variant may create or strengthen a splice site. Advanced modeling of protein sequence and biophysical properties (such as structural, functional, and spatial information, amino acid conservation, physicochemical variation, residue mobility, and thermodynamic stability) performed at Invitae indicates that this missense variant is expected to disrupt SCN1A protein function. ClinVar contains an entry for this variant (Variation ID: 280527). This missense change has been observed in individual(s) with early infantile epileptic encephalopathy (Invitae). In at least one individual the variant was observed to be de novo. This variant is not present in population databases (gnomAD no frequency). This sequence change replaces histidine, which is basic and polar, with tyrosine, which is neutral and polar, at codon 933 of the SCN1A protein (p.His933Tyr).

Ambry Genetics
Classification: Likely pathogenic for Inborn genetic diseases. Last evaluated: 2019-02-04. Review status: criteria provided, single submitter. Criteria: Ambry Variant Classification Scheme 2023. Collection method: clinical testing. Allele origin: germline.
Comment: The p.H933Y variant (also known as c.2797C>T), located in coding exon 15 of the SCN1A gene, results from a C to T substitution at nucleotide position 2797. The histidine at codon 933 is replaced by tyrosine, an amino acid with similar properties. This alteration has been confirmed de novo in two unrelated individuals with SCN1A-related epilepsy (Ambry internal data). A different alteration at the same amino acid position, p.H933P, has been reported in an individual with Dravet syndrome (Zuberi SM et al. Neurology, 2011 Feb;76:594-600). This amino acid position is highly conserved in available vertebrate species. In addition, this alteration is predicted to be deleterious by in silico analysis. Based on the majority of available evidence to date, this variant is likely to be pathogenic.

GeneDx
Classification: Pathogenic. Last evaluated: 2017-02-02. Review status: criteria provided, single submitter. Criteria: GeneDx Variant Classification (06012015). Collection method: clinical testing. Allele origin: germline. Affected: yes.
Comment: The H933Y variant was not observed in approximately 6,500 individuals of European and African American ancestry in the NHLBI Exome Sequencing Project, indicating it is not a common benign variant in these populations. This variant is a non-conservative amino acid substitution that alters a conserved position in the extracellular loop between the S5 and S6 transmembrane segments of the second homologous domain, and in silico analysis predicts H933Y is probably damaging to the protein structure/function. Additionally, multiple missense variants in nearby residues have been reported in the Human Gene Mutation Database in association with SCN1A-related disorders (Stenson et al., 2014), supporting the functional importance of this region of the protein. Although the H933Y pathogenic variant has not been reported previously to our knowledge, the presence of this de novo variant is consistent with a diagnosis of an SCN1A-related disorder

Literature cited by the submitters: PubMed 21248271 (cited by Ambry Genetics).

NM_001165963.4(SCN1A):c.2797C>T (p.His933Tyr)

Gene: SCN1A (sodium voltage-gated channel alpha subunit 1; minus strand). Cytogenetic location: 2q24.3.
Variant type: single nucleotide variant.
Coding change: c.2797C>T on transcript NM_001165963.4 (MANE Select); coding-DNA position 2797, C replaced by T.
Protein change: p.His933Tyr; replaces histidine 933 with tyrosine.
Molecular consequence: missense variant. On other transcripts: non-coding transcript variant (1).
Genome position (GRCh38, 1-based): chr2:166,037,925, G>A on the plus strand (C>T on the coding strand, the complement: SCN1A is on the minus strand). VCF-style: chr2-166037925-G-A. GRCh37 (hg19) VCF-style: chr2-166894435-G-A.
Other names: c.2713C>T, p.His905Tyr (NM_001165964.3, NM_001353957.2, NM_001353958.2); c.2797C>T, p.His933Tyr (NM_001202435.3, NM_001353948.2); c.2764C>T, p.His922Tyr (NM_001353949.2, NM_001353950.2, NM_001353951.2 and 2 more transcripts); c.2761C>T, p.His921Tyr (NM_001353954.2, NM_001353955.2); c.2710C>T, p.His904Tyr (NM_001353960.2); c.355C>T, p.His119Tyr (NM_001353961.2); short protein forms H922Y, H933Y, H921Y, H119Y, H904Y, H905Y.
Identifiers: ClinVar variation 280527 (VCV000280527.11), dbSNP rs886041716, ClinGen allele CA10602812.